The following is an entry in ClinVar:

ClinVar aggregate classification (germline): Uncertain significance (1 of 4 stars; one submission).

Conditions:
Cardiomyopathy (CMYO). Also called: Cardiomyopathies. Identifiers: Orphanet 167848, MedGen C0878544, MONDO:0004994, HP:0001638. Inheritance: Various modes of inheritance.

Submission:

Color Diagnostics, LLC DBA Color Health
Classification: Uncertain significance for Cardiomyopathy. Last evaluated: 2023-12-05. Review status: criteria provided, single submitter. Criteria: ACMG Guidelines, 2015. Collection method: clinical testing. Allele origin: germline.
Comment: This missense variant replaces valine with leucine at codon 570 of the DSC2 protein. Computational prediction tools and conservation analyses are inconclusive regarding the impact of this variant on the protein function. Computational splicing tools suggest that this variant may not impact RNA splicing. To our knowledge, functional assays have not been performed for this variant nor has this variant been reported in individuals affected with cardiovascular disorders in the literature. This variant has not been identified in the general population by the Genome Aggregation Database (gnomAD). Available evidence is insufficient to determine the role of this variant in disease conclusively. Therefore, this variant is classified as a Variant of Uncertain Significance.

NM_024422.6(DSC2):c.1708G>C (p.Val570Leu)

Gene: DSC2 (desmocollin 2; minus strand). Cytogenetic location: 18q12.1.
Variant type: single nucleotide variant.
Coding change: c.1708G>C on transcript NM_024422.6 (MANE Select); coding-DNA position 1708, G replaced by C.
Protein change: p.Val570Leu; replaces valine 570 with leucine.
Molecular consequence: missense variant.
Genome position (GRCh38, 1-based): chr18:31,074,863, C>G on the plus strand (G>C on the coding strand, the complement: DSC2 is on the minus strand). VCF-style: chr18-31074863-C-G. GRCh37 (hg19) VCF-style: chr18-28654829-C-G.
Other names: c.1708G>C, p.Val570Leu (NM_004949.5); short protein forms V570L.
Identifiers: ClinVar variation 925665 (VCV000925665.5), dbSNP rs992887444, ClinGen allele CA402114347.